The following is an entry in ClinVar:

NM_015087.5(SPART):c.123A>C (p.Glu41Asp)

Gene: SPART (spartin; minus strand). Cytogenetic location: 13q13.3.
Variant type: single nucleotide variant.
Coding change: c.123A>C on transcript NM_015087.5 (MANE Select); coding-DNA position 123, A replaced by C.
Protein change: p.Glu41Asp; replaces glutamic acid 41 with aspartic acid.
Molecular consequence: missense variant.
Genome position (GRCh38, 1-based): chr13:36,335,708, T>G on the plus strand (A>C on the coding strand, the complement: SPART is on the minus strand). VCF-style: chr13-36335708-T-G. GRCh37 (hg19) VCF-style: chr13-36909845-T-G.
Other names: p.Glu41Asp; c.123A>C, p.Glu41Asp (NM_001142294.2, NM_001142295.2, NM_001142296.2); short protein forms E41D.
Identifiers: ClinVar variation 880793 (VCV000880793.7), dbSNP rs749355386, ClinGen allele CA6949686.
Genomic context (GRCh38, chr13:36,335,708, plus strand): 5'-TGATGAAATGCTGATCCCTCTGAGCAGGTGTCCTATTCCTTGCTTATAGTAGTTCTTTGC[T>G]TCTTCCTTCTGACCTAATTCATCTGTATTCAGACCTTTGTTAACAAATAAAAAGGCCTTC-3'
Protein context (NP_055902.1, residues 31-51): LNTDELGQKE[Glu41Asp]AKNYYKQGIG

ClinVar aggregate classification (germline): Uncertain significance. Review status: criteria provided, multiple submitters, no conflicts (2 of 4 stars). 4 submissions from 4 submitters: Uncertain significance (4). Last evaluated 2025-09-02.

Conditions:
Troyer syndrome (SPG20). Identifiers: Orphanet 101000, MedGen C0393559, MONDO:0010156, OMIM 275900.
Inborn genetic diseases. Identifiers: MedGen C0950123, MeSH D030342.

Allele frequency attached by ClinVar (database versions not stated): ExAC 0.00002; gnomAD exomes 0.00004 and 0.00005; gnomAD 0.00005; TOPMed 0.00005.
gnomAD v4.1: 76 of 1,614,188 alleles (0.0047%); highest among the groups gnomAD compares: Admixed American, 0.0083%; no homozygotes.

Submissions (4):

Mayo Clinic Laboratories, Mayo Clinic
Classification: Uncertain significance. Last evaluated: 2025-09-02. Review status: criteria provided, single submitter. Criteria: ACMG Guidelines, 2015. Collection method: clinical testing. Allele origin: germline. Observed: 1 variant allele.
Comment: BP4_moderate, PM2_supporting

Ambry Genetics
Classification: Uncertain significance for Inborn genetic diseases. Last evaluated: 2024-12-20. Review status: criteria provided, single submitter. Criteria: Ambry Variant Classification Scheme 2023. Collection method: clinical testing. Allele origin: germline.

Labcorp Genetics (formerly Invitae), Labcorp
Classification: Uncertain significance. Last evaluated: 2022-04-21. Review status: criteria provided, single submitter. Criteria: Invitae Variant Classification Sherloc (09022015). Collection method: clinical testing. Allele origin: germline.
Comment: This sequence change replaces glutamic acid, which is acidic and polar, with aspartic acid, which is acidic and polar, at codon 41 of the SPART protein (p.Glu41Asp). This variant is present in population databases (rs749355386, gnomAD 0.01%). This variant has not been reported in the literature in individuals affected with SPART-related conditions. ClinVar contains an entry for this variant (Variation ID: 880793). Algorithms developed to predict the effect of missense changes on protein structure and function (SIFT, PolyPhen-2, Align-GVGD) all suggest that this variant is likely to be tolerated. In summary, the available evidence is currently insufficient to determine the role of this variant in disease. Therefore, it has been classified as a Variant of Uncertain Significance.

Illumina Laboratory Services, Illumina
Classification: Uncertain significance for Troyer syndrome. Last evaluated: 2018-02-02. Review status: criteria provided, single submitter. Criteria: ICSL Variant Classification Criteria 13 December 2019. Collection method: clinical testing. Allele origin: germline.